The following is an entry in ClinVar:

ClinVar aggregate classification (germline): Uncertain significance. Review status: criteria provided, single submitter (1 of 4 stars). 2 submissions from 2 submitters: Uncertain significance (1). 1 of the submissions does not count toward it. Last evaluated 2025-01-29.

Conditions:
PLXNA1-related disorder. Also called: PLXNA1-related condition.

gnomAD v4.1: 37 of 1,613,576 alleles (0.0023%); highest among the groups gnomAD compares: Non-Finnish European, 0.0031%; no homozygotes.

Submissions (2):

Ambry Genetics
Classification: Uncertain significance. Last evaluated: 2025-01-29. Review status: criteria provided, single submitter. Criteria: Ambry Variant Classification Scheme 2023. Collection method: clinical testing. Allele origin: germline.

PreventionGenetics, part of Exact Sciences
Classification: Uncertain significance for PLXNA1-related condition. Last evaluated: 2024-09-10. Review status: no assertion criteria provided. Collection method: clinical testing. Allele origin: germline. Not counted in ClinVar's aggregate classification.
Comment: The PLXNA1 c.898A>G variant is predicted to result in the amino acid substitution p.Ile300Val. To our knowledge, this variant has not been reported in the literature. This variant is reported in 0.0062% of alleles in individuals of African descent in gnomAD. At this time, the clinical significance of this variant is uncertain due to the absence of conclusive functional and genetic evidence.

NM_032242.4(PLXNA1):c.898A>G (p.Ile300Val)

Gene: PLXNA1 (plexin A1; plus strand). Cytogenetic location: 3q21.3.
Variant type: single nucleotide variant.
Coding change: c.898A>G on transcript NM_032242.4 (MANE Select); coding-DNA position 898, A replaced by G.
Protein change: p.Ile300Val; replaces isoleucine 300 with valine.
Molecular consequence: missense variant.
Genome position (GRCh38, 1-based): chr3:126,989,491, A>G. VCF-style: chr3-126989491-A-G. GRCh37 (hg19) VCF-style: chr3-126708334-A-G.
Other names: short protein forms I300V.
Identifiers: ClinVar variation 3352486 (VCV003352486.2).